The following is an entry in ClinVar:

ClinVar aggregate classification (germline): Conflicting classifications of pathogenicity. Review status: criteria provided, conflicting classifications (1 of 4 stars). 19 submissions from 19 submitters: Uncertain significance (7); Likely benign (6). 6 of the submissions do not count toward it. Last evaluated 2026-04-06.

Conditions:
BRCA2-related cancer predisposition. Identifiers: MedGen CN377758, MONDO:0700269.
EBV-positive nodal T- and NK-cell lymphoma.
BRCA2-related disorder. Also called: BRCA2-related condition; BRCA2-related disorders. Identifiers: MedGen CN239275.
Breast and/or ovarian cancer. Identifiers: MedGen CN221562.
Hereditary cancer-predisposing syndrome. Also called: Hereditary Cancer Syndrome; Neoplastic Syndromes, Hereditary; Hereditary neoplastic syndrome; Tumor predisposition. Identifiers: Orphanet 140162, MedGen C0027672, MeSH D009386, MONDO:0015356.
Hereditary breast ovarian cancer syndrome. Also called: Hereditary breast and ovarian cancer syndrome; Breast and ovarian cancer; BRCA1- and BRCA2-Associated Hereditary Breast and Ovarian Cancer; Hereditary breast and/or ovarian cancer syndrome; Hereditary breast and ovarian cancer; Hereditary breast and ovarian cancer syndrome (HBOC). Identifiers: Orphanet 145, MedGen C0677776, MeSH D061325, MONDO:0003582. Disease mechanism: loss of function.
Breast-ovarian cancer, familial, susceptibility to, 2 (BROVCA2). Also called: BRCA2 Hereditary Breast and Ovarian Cancer. Identifiers: Orphanet 145, MedGen C2675520, MONDO:0012933, OMIM 612555. Disease mechanism: loss of function.

Allele frequency attached by ClinVar (database versions not stated): gnomAD 0.00001; gnomAD exomes 0.00001 and 0.00002; TOPMed 0.00003.
gnomAD v4.1: 31 of 1,613,168 alleles (0.0019%); highest among the groups gnomAD compares: East Asian, 0.011%; no homozygotes.

Submissions 1 to 11 of 19:

PreventionGenetics, part of Exact Sciences
Classification: Uncertain significance for BRCA2-related condition. Last evaluated: 2026-04-06. Review status: criteria provided, single submitter. Criteria: ACMG Guidelines, 2015. Collection method: clinical testing. Allele origin: germline.
Comment: The BRCA2 c.1244A>G variant is predicted to result in the amino acid substitution p.His415Arg. This variant has been reported with uncertain significance in individuals with breast and/or ovarian cancer (Supplementary Table 2, Wong-Brown et al. 2015. PubMed ID: 25682074; Supplementary Data 1, Momozawa et al. 2018. PubMed ID: 30287823; Alemar et al. 2017. PubMed ID: 29161300; Zuntini et al. 2018. PubMed ID: 30254663; Santonocito et al. 2020. PubMed ID: 32438681; Supplementary Data, Breast Cancer Association Consortium et al. 2021. PubMed ID: 33471991). This variant has also been reported in control populations (Supplementary Data 1, Momozawa et al. 2018. PubMed ID: 30287823; Supplementary Data, Breast Cancer Association Consortium et al. 2021. PubMed ID: 33471991). A functional study has shown that this variant does not impact function (Guo et al. 2023. PubMed ID: 37731132). This variant is reported in 0.0031% of alleles in individuals of European (Non-Finnish) descent in gnomAD and has conflicting interpretations in ClinVar ranging from uncertain to likely benign (Variation ID: 51090). Although we suspect that this variant may be benign, at this time, the clinical significance of this variant is uncertain due to the absence of conclusive functional and genetic evidence.

Labcorp Genetics (formerly Invitae), Labcorp
Classification: Likely benign for Hereditary breast ovarian cancer syndrome. Last evaluated: 2026-01-06. Review status: criteria provided, single submitter. Criteria: Invitae Variant Classification Sherloc (09022015). Collection method: clinical testing. Allele origin: germline.

GeneDx
Classification: Uncertain significance. Last evaluated: 2025-08-19. Review status: criteria provided, single submitter. Criteria: GeneDx Variant Classification Process June 2021. Collection method: clinical testing. Allele origin: germline. Affected: yes.
Comment: Observed in individuals with breast and/or ovarian cancer, pancreatic cancer, as well as in unaffected controls (PMID: 25682074, 29161300, 30287823, 30254663, 32980694, 32438681, 33471991); Published functional studies demonstrate homologous recombination activity similar to wild-type (PMID: 37731132); In silico analysis suggests that this missense variant does not alter protein structure/function; Not observed at significant frequency in large population cohorts (gnomAD); Also known as 1472A>G; This variant is associated with the following publications: (PMID: 10923033, 25682074, 29161300, 30254663, 32438681, 30287823, 32980694, 29884841, 31131967, 32377563, 33471991, 31853058, 34271781, 36775216, 34597585, 37937776, 36243179, 37731132, 35534704)

Women's Health and Genetics/Laboratory Corporation of America, LabCorp
Classification: Uncertain significance. Last evaluated: 2025-04-07. Review status: criteria provided, single submitter. Criteria: LabCorp Variant Classification Summary - May 2015. Collection method: clinical testing. Allele origin: germline.
Comment: Variant summary: BRCA2 c.1244A>G (p.His415Arg) results in a non-conservative amino acid change in the encoded protein sequence. Four of five in-silico tools predict a benign effect of the variant on protein function. The variant allele was found at a frequency of 8e-06 in 249452 control chromosomes (gnomAD). The available data on variant occurrences in the general population are insufficient to allow any conclusion about variant significance. c.1244A>G has been reported in the literature as a VUS in individuals undergoing testing for Breast and/or Ovarian Cancer, as well as in unaffected controls (e.g., Alemar_2017, Momozawa_2018, Wong-Brown_2015, Zuntini_2018, de Oliveira, Dorling_2021). These reports do not provide unequivocal conclusions about association of the variant with Hereditary Breast And Ovarian Cancer Syndrome. At-least one co-occurrence with another pathogenic variant(s) have been reported in the UMD database (BRCA1 c.3979C>T, p.Gln1327Ter), providing supporting evidence for a benign role. To our knowledge, no experimental evidence demonstrating an impact on protein function has been reported. The following publications have been ascertained in the context of this evaluation (PMID: 25682074, 29161300, 30254663, 30287823, 33471991, 35534704). ClinVar contains an entry for this variant (Variation ID: 51090). Based on the evidence outlined above, the variant was classified as uncertain significance.

Quest Diagnostics Nichols Institute San Juan Capistrano
Classification: Likely benign. Last evaluated: 2024-10-31. Review status: criteria provided, single submitter. Criteria: Quest Diagnostics criteria. Collection method: clinical testing. Allele origin: unknown.

Blueprint Genetics
Classification: Likely benign. Last evaluated: 2024-10-15. Review status: criteria provided, single submitter. Criteria: ACMG Guidelines, 2015. Collection method: clinical testing. Allele origin: germline.

All of Us Research Program, National Institutes of Health
Classification: Likely benign for BRCA2-related cancer predisposition. Last evaluated: 2024-09-13. Review status: criteria provided, single submitter. Criteria: ACMG Guidelines, 2015. Collection method: clinical testing. Allele origin: germline. Inheritance: Autosomal dominant inheritance. Observed: 7 variant alleles, 7 heterozygotes.
Comment: This study involves interpretation of variants in research participants for the purpose of population health screening. Participant phenotype was not available at the time of variant classification. Additional details can be found in publication PMID: 35346344, PMCID: PMC8962531

Ambry Genetics
Classification: Uncertain significance for Hereditary cancer-predisposing syndrome. Last evaluated: 2024-06-07. Review status: criteria provided, single submitter. Criteria: Ambry Variant Classification Scheme 2023. Collection method: clinical testing. Allele origin: germline.
Comment: The p.H415R variant (also known as c.1244A>G), located in coding exon 9 of the BRCA2 gene, results from an A to G substitution at nucleotide position 1244. The histidine at codon 415 is replaced by arginine, an amino acid with highly similar properties. This alteration has been reported in a cohort of 418 Brazilian individuals who met NCCN genetic testing guidelines for hereditary breast and ovarian cancer (Alemar B et al. PLoS One, 2017 Nov;12:e0187630). This alteration has also been identified in individuals diagnosed with breast and/or ovarian cancer (Wong-Brown MW et al. Breast Cancer Res Treat, 2015 Feb;150:71-80; Zuntini R et al. Front Genet, 2018 Sep;9:378; Santonocito C et al. Cancers (Basel), 2020 May;12:). This amino acid position is not well conserved in available vertebrate species. In addition, this alteration is predicted to be tolerated by in silico analysis. Based on the available evidence, the clinical significance of this variant remains unclear.

University of Washington Department of Laboratory Medicine, University of Washington
Classification: Likely benign for Hereditary cancer-predisposing syndrome. Last evaluated: 2023-03-23. Review status: criteria provided, single submitter. Criteria: Dines et al. (Genet Med. 2020). Collection method: curation. Allele origin: germline.
Comment: Missense variant in a coldspot region where missense variants are very unlikely to be pathogenic (PMID:31911673).

BRCA2 exon 10 coldspot. Reclassification based on statistical prior probability.

Mendelics
Classification: Uncertain significance. Last evaluated: 2022-05-04. Review status: criteria provided, single submitter. Criteria: Mendelics Assertion Criteria 2019. Collection method: clinical testing. Allele origin: germline.

Sema4
Classification: Uncertain significance for Hereditary cancer-predisposing syndrome. Last evaluated: 2021-09-19. Review status: criteria provided, single submitter. Criteria: Sema4 Curation Guidelines. Collection method: curation. Allele origin: germline.
Comment: The BRCA2 c.1244A>G (p.H415R) variant has been reported individuals with breast and/or ovarian cancer (PMID: 32438681, 30254663, 30254663, 25682074). It is reported in 3/60,466 women with breast cancer and 2/53,461 controls by a large case-control study (PMID 33471991). This variant was observed in 4/128564 chromosomes in the Non-Finnish European population, according to the Genome Aggregation Database (PMID: 32461654). This variant has been reported in ClinVar (Variation ID 51090). This amino acid position is not well conserved in available vertebrate species. Functional studies have not been performed, and in silico predictions of the variant's effect on protein function are inconclusive. The overall evidence is insufficient to meet ACMG/AMP criteria for classifying it as benign or pathogenic. In summary, the clinical significance of this variant is currently uncertain.

NM_000059.4(BRCA2):c.1244A>G (p.His415Arg)

Gene: BRCA2 (BRCA2 DNA repair associated; plus strand). Cytogenetic location: 13q13.1.
Variant type: single nucleotide variant.
Coding change: c.1244A>G on transcript NM_000059.4 (MANE Select); coding-DNA position 1244, A replaced by G.
Protein change: p.His415Arg; replaces histidine 415 with arginine.
Molecular consequence: missense variant.
Genome position (GRCh38, 1-based): chr13:32,332,722, A>G. VCF-style: chr13-32332722-A-G. GRCh37 (hg19) VCF-style: chr13-32906859-A-G.
Other names: p.H415R:CAT>CGT; short protein forms H415R.
Identifiers: ClinVar variation 51090 (VCV000051090.44), dbSNP rs80358417, ClinGen allele CA011305.
Genomic context (GRCh38, chr13:32,332,722, plus strand): 5'-GGTCTCAACTAACCCTTTCAGGTCTAAATGGAGCCCAGATGGAGAAAATACCCCTATTGC[A>G]TATTTCTTCATGTGACCAAAATATTTCAGAAAAAGACCTATTAGACACAGAGAACAAAAG-3'
Protein context (NP_000050.3, residues 405-425): GAQMEKIPLL[His415Arg]ISSCDQNISE